The following is an entry in ClinVar:

NM_015627.3(LDLRAP1):c.*1711G>A

Gene: LDLRAP1 (low density lipoprotein receptor adaptor protein 1; plus strand). Cytogenetic location: 1p36.11.
Variant type: single nucleotide variant.
Coding change: c.*1711G>A on transcript NM_015627.3 (MANE Select); 1711 bases downstream of the stop codon, G replaced by A.
Molecular consequence: 3 prime UTR variant.
Genome position (GRCh38, 1-based): chr1:25,568,703, G>A. VCF-style: chr1-25568703-G-A. GRCh37 (hg19) VCF-style: chr1-25895194-G-A.
Identifiers: ClinVar variation 876221 (VCV000876221.4), dbSNP rs41312264, ClinGen allele CA19651991.

ClinVar aggregate classification (germline): Likely benign (1 of 4 stars; one submission).

Conditions:
Hypercholesterolemia, familial, 4 (FHCL4). Also called: HYPERCHOLESTEROLEMIA, AUTOSOMAL RECESSIVE, 1; HYPERCHOLESTEROLEMIA, AUTOSOMAL RECESSIVE, 2. Identifiers: Orphanet 391665, MedGen C1863512, MONDO:0011374, OMIM 603813.

Allele frequency attached by ClinVar (database versions not stated): gnomAD 0.00052 and 0.00053; TOPMed 0.00053; 1000 Genomes Project 0.00060; 1000 Genomes Project 30x 0.00078.

Submission:

Illumina Laboratory Services, Illumina
Classification: Likely benign for Hypercholesterolemia, familial, 4. Last evaluated: 2018-01-13. Review status: criteria provided, single submitter. Criteria: ICSL Variant Classification Criteria 13 December 2019. Collection method: clinical testing. Allele origin: germline.
Comment: This variant was observed in the ICSL laboratory as part of a predisposition screen in an ostensibly healthy population. It had not been previously curated by ICSL or reported in the Human Gene Mutation Database (HGMD: prior to June 1st, 2018), and was therefore a candidate for classification through an automated scoring system. Utilizing variant allele frequency, disease prevalence and penetrance estimates, and inheritance mode, an automated score was calculated to assess if this variant is too frequent to cause the disease. Based on the score and internal cut-off values, a variant classified as likely benign is not then subjected to further curation. The score for this variant resulted in a classification of likely benign for this disease.